The following is an entry in ClinVar:

ClinVar aggregate classification (germline): Pathogenic (1 of 4 stars; one submission).

Conditions:
Multiple congenital exostosis (EXT). Also called: Hereditary multiple exostoses; Hereditary multiple exostosis; MULTIPLE CARTILAGINOUS EXOSTOSES; Multiple exostoses; Multiple osteochondromas; Hereditary multiple osteochondromas. Identifiers: Orphanet 321, MedGen C0015306, MONDO:0005508, HP:0002762.

Submission:

Labcorp Genetics (formerly Invitae), Labcorp
Classification: Pathogenic for Multiple congenital exostosis. Last evaluated: 2019-11-28. Review status: criteria provided, single submitter. Criteria: Invitae Variant Classification Sherloc (09022015). Collection method: clinical testing. Allele origin: germline.
Comment: For these reasons, this variant has been classified as Pathogenic. Advanced modeling of protein sequence and biophysical properties (such as structural, functional, and spatial information, amino acid conservation, physicochemical variation, residue mobility, and thermodynamic stability) performed at Invitae indicates that this missense variant is expected to disrupt EXT1 protein function. This variant has been observed in individual(s) with multiple osteochondromas (PMID: 23439489). This variant is not present in population databases (ExAC no frequency). This sequence change replaces proline with arginine at codon 337 of the EXT1 protein (p.Pro337Arg). The proline residue is highly conserved and there is a moderate physicochemical difference between proline and arginine.

Literature cited by the submitters: PubMed 23439489.

NM_000127.3(EXT1):c.1010C>G (p.Pro337Arg)

Gene: EXT1 (exostosin glycosyltransferase 1; minus strand). Cytogenetic location: 8q24.11.
Variant type: single nucleotide variant.
Coding change: c.1010C>G on transcript NM_000127.3 (MANE Select); coding-DNA position 1010, C replaced by G.
Protein change: p.Pro337Arg; replaces proline 337 with arginine.
Molecular consequence: missense variant.
Genome position (GRCh38, 1-based): chr8:117,837,154, G>C on the plus strand (C>G on the coding strand, the complement: EXT1 is on the minus strand). VCF-style: chr8-117837154-G-C. GRCh37 (hg19) VCF-style: chr8-118849393-G-C.
Other names: short protein forms P337R.
Identifiers: ClinVar variation 855456 (VCV000855456.9), dbSNP rs1812200901, ClinGen allele CA371893301.